The following is an entry in ClinVar:

ClinVar aggregate classification (germline): Uncertain significance. Review status: criteria provided, multiple submitters, no conflicts (2 of 4 stars). 4 submissions from 4 submitters: Uncertain significance (4). Last evaluated 2024-10-16.

Conditions:
Inborn genetic diseases. Identifiers: MedGen C0950123, MeSH D030342.
Abetalipoproteinaemia (ABL). Also called: Abetalipoproteinemia; Abetalipoproteinemia neuropathy; Apolipoprotein B deficiency; Congenital betalipoprotein deficiency syndrome; MTP DEFICIENCY. Identifiers: Orphanet 14, MedGen C0000744, MONDO:0008692, OMIM 200100, HP:0008181.

Allele frequency attached by ClinVar (database versions not stated): gnomAD 0.00001; TOPMed 0.00002; ExAC 0.00003; gnomAD exomes 0.00004.
gnomAD v4.1: 38 of 1,613,910 alleles (0.0024%); highest among the groups gnomAD compares: Non-Finnish European, 0.0025%; no homozygotes.

Submissions (4):

Ambry Genetics
Classification: Uncertain significance for Inborn genetic diseases. Last evaluated: 2024-10-16. Review status: criteria provided, single submitter. Criteria: Ambry Variant Classification Scheme 2023. Collection method: clinical testing. Allele origin: germline.

Labcorp Genetics (formerly Invitae), Labcorp
Classification: Uncertain significance. Last evaluated: 2024-01-22. Review status: criteria provided, single submitter. Criteria: Invitae Variant Classification Sherloc (09022015). Collection method: clinical testing. Allele origin: germline.
Comment: This sequence change replaces alanine, which is neutral and non-polar, with serine, which is neutral and polar, at codon 493 of the MTTP protein (p.Ala493Ser). This variant is present in population databases (rs758939873, gnomAD 0.01%). This variant has not been reported in the literature in individuals affected with MTTP-related conditions. ClinVar contains an entry for this variant (Variation ID: 347034). Advanced modeling of protein sequence and biophysical properties (such as structural, functional, and spatial information, amino acid conservation, physicochemical variation, residue mobility, and thermodynamic stability) performed at Invitae indicates that this missense variant is not expected to disrupt MTTP protein function with a negative predictive value of 80%. In summary, the available evidence is currently insufficient to determine the role of this variant in disease. Therefore, it has been classified as a Variant of Uncertain Significance.

CeGaT Center for Human Genetics Tuebingen
Classification: Uncertain significance. Last evaluated: 2019-09-01. Review status: criteria provided, single submitter. Criteria: CeGaT Center For Human Genetics Tuebingen Variant Classification Criteria Version 2. Collection method: clinical testing. Allele origin: germline. Affected: yes. Observed: 1 variant allele.

Illumina Laboratory Services, Illumina
Classification: Uncertain significance for Abetalipoproteinaemia. Last evaluated: 2018-01-13. Review status: criteria provided, single submitter. Criteria: ICSL Variant Classification Criteria 13 December 2019. Collection method: clinical testing. Allele origin: germline.

NM_001386140.1(MTTP):c.1477G>T (p.Ala493Ser)

Gene: MTTP (microsomal triglyceride transfer protein; plus strand). Cytogenetic location: 4q23.
Variant type: single nucleotide variant.
Coding change: c.1477G>T on transcript NM_001386140.1 (MANE Select); coding-DNA position 1477, G replaced by T.
Protein change: p.Ala493Ser; replaces alanine 493 with serine.
Molecular consequence: missense variant.
Genome position (GRCh38, 1-based): chr4:99,606,880, G>T. VCF-style: chr4-99606880-G-T. GRCh37 (hg19) VCF-style: chr4-100528037-G-T.
Other names: c.1477G>T, p.Ala493Ser (NM_000253.4); c.1228G>T, p.Ala410Ser (NM_001300785.2); short protein forms A493S, A410S.
Identifiers: ClinVar variation 347034 (VCV000347034.50), dbSNP rs758939873, ClinGen allele CA3022116.